The following is an entry in ClinVar:

ClinVar aggregate classification (germline): Uncertain significance (1 of 4 stars; one submission).

gnomAD v4.1: 1 of 1,610,380 alleles (0.000062%); highest among the groups gnomAD compares: Admixed American, 0.0017%; no homozygotes.

Submission:

GeneDx
Classification: Uncertain significance. Last evaluated: 2024-06-07. Review status: criteria provided, single submitter. Criteria: GeneDx Variant Classification Process June 2021. Collection method: clinical testing. Allele origin: germline. Affected: yes.
Comment: Not observed at significant frequency in large population cohorts (gnomAD); In silico analysis indicates that this missense variant does not alter protein structure/function; Has not been previously published as pathogenic or benign to our knowledge

NM_018896.5(CACNA1G):c.3661G>A (p.Gly1221Arg)

Gene: CACNA1G (calcium voltage-gated channel subunit alpha1 G; plus strand). Cytogenetic location: 17q21.33.
Variant type: single nucleotide variant.
Coding change: c.3661G>A on transcript NM_018896.5 (MANE Select); coding-DNA position 3661, G replaced by A.
Protein change: p.Gly1221Arg; replaces glycine 1221 with arginine.
Molecular consequence: missense variant. On other transcripts: non-coding transcript variant (5).
Genome position (GRCh38, 1-based): chr17:50,599,830, G>A. VCF-style: chr17-50599830-G-A. GRCh37 (hg19) VCF-style: chr17-48677191-G-A.
Other names: c.3661G>A, p.Gly1221Arg (NM_001256324.2, NM_001256325.2, NM_001256326.2 and 16 more transcripts); c.3592G>A, p.Gly1198Arg (NM_001256332.2, NM_198376.3, NM_198379.3 and 5 more transcripts); short protein forms G1198R, G1221R.
Identifiers: ClinVar variation 3384403 (VCV003384403.1).
Genomic context (GRCh38, chr17:50,599,830, plus strand): 5'-GGCAAGTCGGCTTCAGGGCGCCTGGCCCGGGCCCTGCGGCCTGATGACCCCCCACTGGAT[G>A]GGGATGACGCCGATGACGAGGGCAACCTGGTGAGGCCCCTGTGGGCACAGTGACCCCTCA-3'
Protein context (NP_061496.2, residues 1211-1231): ALRPDDPPLD[Gly1221Arg]DDADDEGNLS